The following is an entry in ClinVar:

ClinVar aggregate classification (germline): Uncertain significance (1 of 4 stars; one submission).

Submission:

GeneDx
Classification: Uncertain significance. Last evaluated: 2024-02-04. Review status: criteria provided, single submitter. Criteria: GeneDx Variant Classification Process June 2021. Collection method: clinical testing. Allele origin: germline. Affected: yes.
Comment: Not observed at significant frequency in large population cohorts (gnomAD); In silico analysis supports that this missense variant has a deleterious effect on protein structure/function; Has not been previously published as pathogenic or benign to our knowledge

NM_182641.4(BPTF):c.4987G>A (p.Asp1663Asn)

Gene: BPTF (bromodomain PHD finger transcription factor; plus strand). Cytogenetic location: 17q24.2.
Variant type: single nucleotide variant.
Coding change: c.4987G>A on transcript NM_182641.4 (MANE Select); coding-DNA position 4987, G replaced by A.
Protein change: p.Asp1663Asn; replaces aspartic acid 1663 with asparagine.
Molecular consequence: missense variant.
Genome position (GRCh38, 1-based): chr17:67,912,871, G>A. VCF-style: chr17-67912871-G-A. GRCh37 (hg19) VCF-style: chr17-65908987-G-A.
Other names: c.5365G>A, p.Asp1789Asn (NM_004459.7); short protein forms D1663N, D1789N.
Identifiers: ClinVar variation 3368770 (VCV003368770.1).